The following is an entry in ClinVar:

NM_017763.6(RNF43):c.163A>G (p.Met55Val)

Gene: RNF43 (ring finger protein 43; minus strand). Cytogenetic location: 17q22.
Variant type: single nucleotide variant.
Coding change: c.163A>G on transcript NM_017763.6 (MANE Select); coding-DNA position 163, A replaced by G.
Protein change: p.Met55Val; replaces methionine 55 with valine.
Molecular consequence: missense variant.
Genome position (GRCh38, 1-based): chr17:58,415,415, T>C on the plus strand (A>G on the coding strand, the complement: RNF43 is on the minus strand). VCF-style: chr17-58415415-T-C. GRCh37 (hg19) VCF-style: chr17-56492776-T-C.
Other names: c.163A>G (NM_017763.4); c.163A>G, p.Met55Val (NM_001305544.3); short protein forms M55V.
Identifiers: ClinVar variation 1430905 (VCV001430905.8), dbSNP rs752403399, ClinGen allele CA8673505.

ClinVar aggregate classification (germline): Uncertain significance. Review status: criteria provided, multiple submitters, no conflicts (2 of 4 stars). 3 submissions from 3 submitters: Uncertain significance (3). Last evaluated 2025-06-22.

Allele frequency attached by ClinVar (database versions not stated): gnomAD exomes below 0.00001 and 0.00001; ExAC 0.00002.
gnomAD v4.1: 4 of 1,614,212 alleles (0.00025%); highest among the groups gnomAD compares: South Asian, 0.0044%; no homozygotes.

Submissions (3):

Ambry Genetics
Classification: Uncertain significance. Last evaluated: 2025-06-22. Review status: criteria provided, single submitter. Criteria: Ambry Variant Classification Scheme 2023. Collection method: clinical testing. Allele origin: germline.
Comment: The p.M55V variant (also known as c.163A>G), located in coding exon 1 of the RNF43 gene, results from an A to G substitution at nucleotide position 163. The methionine at codon 55 is replaced by valine, an amino acid with highly similar properties. This amino acid position is conserved. In addition, this alteration is predicted to be tolerated by in silico analysis. Based on the available evidence, the clinical significance of this variant remains unclear.

Center for Genomic Medicine, Rigshospitalet, Copenhagen University Hospital
Classification: Uncertain significance. Last evaluated: 2025-03-04. Review status: criteria provided, single submitter. Criteria: ACMG Guidelines, 2015. Collection method: clinical testing. Allele origin: germline.

Labcorp Genetics (formerly Invitae), Labcorp
Classification: Uncertain significance. Last evaluated: 2021-12-05. Review status: criteria provided, single submitter. Criteria: Invitae Variant Classification Sherloc (09022015). Collection method: clinical testing. Allele origin: germline.
Comment: This variant has not been reported in the literature in individuals affected with RNF43-related conditions. In summary, the available evidence is currently insufficient to determine the role of this variant in disease. Therefore, it has been classified as a Variant of Uncertain Significance. Algorithms developed to predict the effect of missense changes on protein structure and function output the following: SIFT: "Tolerated"; PolyPhen-2: "Benign"; Align-GVGD: "Class C0". The valine amino acid residue is found in multiple mammalian species, which suggests that this missense change does not adversely affect protein function. This variant is present in population databases (rs752403399, gnomAD 0.006%). This sequence change replaces methionine, which is neutral and non-polar, with valine, which is neutral and non-polar, at codon 55 of the RNF43 protein (p.Met55Val).